The following is an entry in ClinVar:

ClinVar aggregate classification (germline): Pathogenic (1 of 4 stars; one submission).

Conditions:
Ataxia-telangiectasia syndrome (AT). Also called: Ataxia-telangiectasia, complementation group D; AT, COMPLEMENTATION GROUP C; Cerebello-oculocutaneous telangiectasia; Immunodeficiency with ataxia telangiectasia; Ataxia-telangiectasia, complementation group E; LOUIS-BAR SYNDROME. Identifiers: Orphanet 100, MedGen C0004135, MONDO:0008840, OMIM 208900.

Submission:

Labcorp Genetics (formerly Invitae), Labcorp
Classification: Pathogenic for Ataxia-telangiectasia syndrome. Last evaluated: 2021-07-01. Review status: criteria provided, single submitter. Criteria: Invitae Variant Classification Sherloc (09022015). Collection method: clinical testing. Allele origin: germline.
Comment: This variant is a gross deletion of the genomic region encompassing exon(s) 26 of the ATM gene. This deletion is out-of-frame, and is expected to create a premature translational stop signal and result in an absent or disrupted protein product. Loss-of-function variants in ATM are known to be pathogenic (PMID: 23807571, 25614872). This variant has not been reported in the literature in individuals affected with ATM-related conditions. For these reasons, this variant has been classified as Pathogenic.

Literature cited by the submitters: PubMed 23807571; PubMed 25614872.

NC_000011.9:g.(?_108154944)_(108155210_?)del

Gene: ATM (ATM serine/threonine kinase; plus strand). Cytogenetic location: 11q22.3.
Variant type: Deletion.
Identifiers: ClinVar variation 1460417 (VCV001460417.4).